The following is an entry in ClinVar:

NM_017802.4(DNAAF5):c.587C>T (p.Ala196Val)

Genes: DNAAF5 (dynein axonemal assembly factor 5; plus strand), PRKAR1B (protein kinase cAMP-dependent type I regulatory subunit beta; minus strand). Cytogenetic location: 7p22.3.
Variant type: single nucleotide variant.
Coding change: c.587C>T on transcript NM_017802.4 (MANE Select); coding-DNA position 587, C replaced by T.
Protein change: p.Ala196Val; replaces alanine 196 with valine.
Molecular consequence: missense variant. On other transcripts: non-coding transcript variant (1), intron variant (2).
Genome position (GRCh38, 1-based): chr7:727,307, C>T. VCF-style: chr7-727307-C-T. GRCh37 (hg19) VCF-style: chr7-766944-C-T.
Other names: c.-23+348G>A (NM_001164759.1); c.-23+283G>A (NM_001164758.2); short protein forms A196V.
Identifiers: ClinVar variation 1375745 (VCV001375745.7), dbSNP rs1369424681, ClinGen allele CA366531198.

ClinVar aggregate classification (germline): Uncertain significance (1 of 4 stars; one submission).

Conditions:
Primary ciliary dyskinesia. Also called: Ciliary dyskinesia. Identifiers: Orphanet 244, MedGen C0008780, MONDO:0016575, HP:0012265.

Submission:

Labcorp Genetics (formerly Invitae), Labcorp
Classification: Uncertain significance for Primary ciliary dyskinesia. Last evaluated: 2021-08-17. Review status: criteria provided, single submitter. Criteria: Invitae Variant Classification Sherloc (09022015). Collection method: clinical testing. Allele origin: germline.
Comment: In summary, the available evidence is currently insufficient to determine the role of this variant in disease. Therefore, it has been classified as a Variant of Uncertain Significance. Algorithms developed to predict the effect of sequence changes on RNA splicing suggest that this variant may create or strengthen a splice site. Algorithms developed to predict the effect of missense changes on protein structure and function (SIFT, PolyPhen-2, Align-GVGD) all suggest that this variant is likely to be tolerated. This variant has not been reported in the literature in individuals affected with DNAAF5-related conditions. The frequency data for this variant in the population databases is considered unreliable, as metrics indicate insufficient coverage at this position in the ExAC database. This sequence change replaces alanine with valine at codon 196 of the DNAAF5 protein (p.Ala196Val). The alanine residue is weakly conserved and there is a small physicochemical difference between alanine and valine.